The following is an entry in ClinVar:

ClinVar aggregate classification (germline): Conflicting classifications of pathogenicity. Review status: criteria provided, conflicting classifications (1 of 4 stars). 3 submissions from 3 submitters: Uncertain significance (2); Benign (1). Last evaluated 2026-02-17.

Conditions:
Kleefstra syndrome 1 (KLEFS1). Identifiers: Orphanet 261494, MedGen C0795833, MONDO:0027407, OMIM 610253.

Allele frequency attached by ClinVar (database versions not stated): TOPMed below 0.00001; gnomAD exomes 0.00002; ExAC 0.00002.
gnomAD v4.1: 32 of 1,614,198 alleles (0.002%); highest among the groups gnomAD compares: East Asian, 0.0089%; no homozygotes.

Submissions (3):

Dasa
Classification: Uncertain significance for Kleefstra syndrome 1. Last evaluated: 2026-02-17. Review status: criteria provided, single submitter. Criteria: DASA Assertion Criteria. Collection method: clinical testing. Allele origin: germline.
Comment: NM_024757.5(EHMT1):c.3398C>T (p.Thr1133Met) is a missense variant that results in the substitution of threonine with methionine. This variant is rare in population databases. Computational prediction algorithms are consistent with a deleterious effect. The currently available literature and clinical evidence are not sufficient to establish a definitive association between this variant and the reported condition. Therefore, this variant is classified as a variant of uncertain significance.

Labcorp Genetics (formerly Invitae), Labcorp
Classification: Benign for Kleefstra syndrome 1. Last evaluated: 2025-11-17. Review status: criteria provided, single submitter. Criteria: Invitae Variant Classification Sherloc (09022015). Collection method: clinical testing. Allele origin: germline.

GeneDx
Classification: Uncertain significance. Last evaluated: 2021-11-22. Review status: criteria provided, single submitter. Criteria: GeneDx Variant Classification Process June 2021. Collection method: clinical testing. Allele origin: germline. Affected: yes.
Comment: Reported previously in the heterozygous state as a paternally inherited variant in a patient from the Deciphering Developmental Disorders cohort; however, no clinical information was provided (Faundes et al., 2018); In silico analysis supports that this missense variant has a deleterious effect on protein structure/function; This variant is associated with the following publications: (PMID: 29276005)

NM_024757.5(EHMT1):c.3398C>T (p.Thr1133Met)

Gene: EHMT1 (euchromatic histone lysine methyltransferase 1; plus strand). Cytogenetic location: 9q34.3.
Variant type: single nucleotide variant.
Coding change: c.3398C>T on transcript NM_024757.5 (MANE Select); coding-DNA position 3398, C replaced by T.
Protein change: p.Thr1133Met; replaces threonine 1133 with methionine.
Molecular consequence: missense variant.
Genome position (GRCh38, 1-based): chr9:137,817,462, C>T. VCF-style: chr9-137817462-C-T. GRCh37 (hg19) VCF-style: chr9-140711914-C-T.
Other names: c.3377C>T, p.Thr1126Met (NM_001354263.2); short protein forms T1126M, T1133M.
Identifiers: ClinVar variation 1686700 (VCV001686700.9), dbSNP rs754986694, ClinGen allele CA5375301.